The following is an entry in ClinVar:

NM_170707.4(LMNA):c.837G>A (p.Glu279=)

Gene: LMNA (lamin A/C; plus strand). Cytogenetic location: 1q22.
Variant type: single nucleotide variant.
Coding change: c.837G>A on transcript NM_170707.4 (MANE Select); coding-DNA position 837, G replaced by A.
Protein change: p.Glu279=; no amino-acid change (glutamic acid 279 retained).
Molecular consequence: synonymous variant.
Genome position (GRCh38, 1-based): chr1:156,135,213, G>A. VCF-style: chr1-156135213-G-A. GRCh37 (hg19) VCF-style: chr1-156105004-G-A.
Other names: c.501G>A, p.Glu167= (NM_001257374.3); c.594G>A, p.Glu198= (NM_001282624.2); c.837G>A, p.Glu279= (NM_001282625.2, NM_001282626.2, NM_005572.4 and 1 more transcripts).
Identifiers: ClinVar variation 179889 (VCV000179889.15), dbSNP rs727505198, ClinGen allele CA018750.

ClinVar aggregate classification (germline): Likely benign. Review status: criteria provided, multiple submitters, no conflicts (2 of 4 stars). 4 submissions from 4 submitters: Likely benign (4). Last evaluated 2025-09-14.

Conditions:
Cardiovascular phenotype. Identifiers: MedGen CN230736.
Charcot-Marie-Tooth disease type 2. Also called: Charcot-Marie-Tooth type 2. Identifiers: Orphanet 64746, MedGen C0270914, MONDO:0018993.
Cardiomyopathy (CMYO). Also called: Cardiomyopathies. Identifiers: Orphanet 167848, MedGen C0878544, MONDO:0004994, HP:0001638. Inheritance: Various modes of inheritance.

Allele frequency attached by ClinVar (database versions not stated): gnomAD exomes 0.00004 and 0.00002; ExAC 0.00006.
gnomAD v4.1: 28 of 1,613,984 alleles (0.0017%); highest among the groups gnomAD compares: South Asian, 0.029%; no homozygotes.

Submissions (4):

Labcorp Genetics (formerly Invitae), Labcorp
Classification: Likely benign for Charcot-Marie-Tooth disease type 2. Last evaluated: 2025-09-14. Review status: criteria provided, single submitter. Criteria: Invitae Variant Classification Sherloc (09022015). Collection method: clinical testing. Allele origin: germline.

Ambry Genetics
Classification: Likely benign for Cardiovascular phenotype. Last evaluated: 2025-08-19. Review status: criteria provided, single submitter. Criteria: Ambry Variant Classification Scheme 2023. Collection method: clinical testing. Allele origin: germline.

Color Diagnostics, LLC DBA Color Health
Classification: Likely benign for Cardiomyopathy. Last evaluated: 2019-10-22. Review status: criteria provided, single submitter. Criteria: ACMG Guidelines, 2015. Collection method: clinical testing. Allele origin: germline.

Laboratory for Molecular Medicine, Mass General Brigham Personalized Medicine
Classification: Likely benign. Last evaluated: 2014-07-21. Review status: criteria provided, single submitter. Criteria: LMM Criteria. Collection method: clinical testing. Allele origin: germline. Observed: 1 variant allele.
Comment: Glu279Glu in exon 5 of LMNA: This variant is not expected to have clinical signi ficance because it does not alter an amino acid residue and is not located withi n the splice consensus sequence.